The following is an entry in ClinVar:

ClinVar aggregate classification (germline): Uncertain significance (1 of 4 stars; one submission).

Submission:

Labcorp Genetics (formerly Invitae), Labcorp
Classification: Uncertain significance. Last evaluated: 2023-03-27. Review status: criteria provided, single submitter. Criteria: Invitae Variant Classification Sherloc (09022015). Collection method: clinical testing. Allele origin: germline.
Comment: In summary, the available evidence is currently insufficient to determine the role of this variant in disease. Therefore, it has been classified as a Variant of Uncertain Significance. This variant has not been reported in the literature in individuals affected with POLD2-related conditions. This variant is not present in population databases (gnomAD no frequency). This sequence change creates a premature translational stop signal (p.Gln343Serfs*42) in the POLD2 gene. It is expected to result in an absent or disrupted protein product. However, the current clinical and genetic evidence is not sufficient to establish whether loss-of-function variants in POLD2 cause disease.

NM_006230.4(POLD2):c.922del (p.Gln308fs)

Gene: POLD2 (DNA polymerase delta 2, accessory subunit; minus strand). Cytogenetic location: 7p13.
Variant type: Deletion.
Coding change: c.922del on transcript NM_006230.4 (MANE Select); coding-DNA position 922, one base deleted (C; older notation c.922delC).
Protein change: p.Gln308fs; shifts the reading frame from glutamine 308.
Molecular consequence: frameshift variant.
Genome position (GRCh38, 1-based): chr7:44,116,212, G deleted on the plus strand (C on the coding strand, the reverse complement: POLD2 is on the minus strand); the first of 5 consecutive G bases (chr7:44,116,212-44,116,216); deleting any one gives the same sequence. VCF-style (leftmost placement, unchanged base first): chr7-44116211-TG-T. GRCh37 (hg19) VCF-style: chr7-44155810-TG-T.
Other names: c.922del, p.Gln308fs (NM_001127218.3, NM_001256879.2); short protein forms Q308fs.
Identifiers: ClinVar variation 2808157 (VCV002808157.3), dbSNP rs2484381421, ClinGen allele CA2578878229.